The following is an entry in ClinVar:

ClinVar aggregate classification (germline): Pathogenic. Review status: criteria provided, multiple submitters, no conflicts (2 of 4 stars). 2 submissions from 2 submitters: Pathogenic (2). Last evaluated 2023-06-05.

Conditions:
Glycogen storage disease, type VI (GSD6). Also called: Hepatic glycogen phosphorylase deficiency; Glycogen storage disease type 6; Glycogen storage disease type 6, due to phosphorylation; GSD VI; HERS DISEASE; PHOSPHORYLASE DEFICIENCY GLYCOGEN-STORAGE DISEASE OF LIVER. Identifiers: Orphanet 369, MedGen C0017925, MONDO:0009294, OMIM 232700.

Allele frequency attached by ClinVar (database versions not stated): gnomAD exomes 0.00001; ExAC 0.00002; gnomAD 0.00002; TOPMed 0.00002.

Submissions (2):

Women's Health and Genetics/Laboratory Corporation of America, LabCorp
Classification: Pathogenic for Glycogen storage disease, type VI. Last evaluated: 2023-06-05. Review status: criteria provided, single submitter. Criteria: LabCorp Variant Classification Summary - May 2015. Collection method: clinical testing. Allele origin: germline.
Comment: Variant summary: PYGL c.911_914dupCCTT (p.Leu305PhefsX25) results in a premature termination codon, predicted to cause a truncation of the encoded protein or absence of the protein due to nonsense mediated decay, which are commonly known mechanisms for disease. The variant allele was found at a frequency of 1.2e-05 in 251486 control chromosomes (gnomAD v2.1). The available data on variant occurrences in the general population are insufficient to allow any conclusion about variant significance. c.911_914dupCCTT has been reported in the literature in at least one compound heterozygous individual affected with Glycogen storage disease, type VI (e.g., Degrassi_2021). To our knowledge, no experimental evidence demonstrating an impact on protein function has been reported. The following publication was ascertained in the context of this evaluation (PMID: 32505569). One clinical diagnostic laboratory has submitted clinical-significance assessments for this variant to ClinVar after 2014 and classified the variant as pathogenic. Based on the evidence outlined above, the variant was classified as pathogenic.

Labcorp Genetics (formerly Invitae), Labcorp
Classification: Pathogenic for Glycogen storage disease, type VI. Last evaluated: 2020-12-02. Review status: criteria provided, single submitter. Criteria: Invitae Variant Classification Sherloc (09022015). Collection method: clinical testing. Allele origin: germline.
Comment: This variant has not been reported in the literature in individuals with PYGL-related conditions. For these reasons, this variant has been classified as Pathogenic. Loss-of-function variants in PYGL are known to be pathogenic (PMID: 9536091, 21646031). This variant is present in population databases (rs758943884, ExAC 0.004%). This sequence change creates a premature translational stop signal (p.Leu305Phefs*25) in the PYGL gene. It is expected to result in an absent or disrupted protein product.

Literature cited by the submitters: PubMed 32505569 (cited by Women's Health and Genetics/Laboratory Corporation of America, LabCorp); PubMed 9536091 (cited by Labcorp Genetics (formerly Invitae), Labcorp); PubMed 21646031 (cited by Labcorp Genetics (formerly Invitae), Labcorp).

NM_002863.5(PYGL):c.911_914dup (p.Leu305fs)

Gene: PYGL (glycogen phosphorylase L; minus strand). Cytogenetic location: 14q22.1.
Variant type: Duplication.
Coding change: c.911_914dup on transcript NM_002863.5 (MANE Select); coding-DNA positions 911 to 914, 4 bases duplicated (CCTT; older notation c.911_914dupCCTT).
Protein change: p.Leu305fs; shifts the reading frame from leucine 305.
Molecular consequence: frameshift variant.
Genome position (GRCh38, 1-based): chr14:50,917,047-50,917,050, AAGG duplicated on the plus strand (CCTT on the coding strand, the reverse complement: PYGL is on the minus strand). VCF-style (leftmost placement, unchanged base first): chr14-50917046-C-CAAGG. GRCh37 (hg19) VCF-style: chr14-51383764-C-CAAGG.
Other names: c.809_812dup, p.Leu271fs (NM_001163940.2); c.911_914dupCCTT (NM_002863.4); short protein forms L305fs, L271fs.
Identifiers: ClinVar variation 844532 (VCV000844532.8), dbSNP rs758943884, ClinGen allele CA7183627.